The following is an entry in ClinVar:

NM_016151.4(TAOK2):c.3212G>A (p.Arg1071Gln)

Gene: TAOK2 (TAO kinase 2; plus strand). Cytogenetic location: 16p11.2.
Variant type: single nucleotide variant.
Coding change: c.3212G>A on transcript NM_016151.4 (MANE Select); coding-DNA position 3212, G replaced by A.
Protein change: p.Arg1071Gln; replaces arginine 1071 with glutamine.
Molecular consequence: missense variant. On other transcripts: intron variant (1).
Genome position (GRCh38, 1-based): chr16:29,987,484, G>A. VCF-style: chr16-29987484-G-A. GRCh37 (hg19) VCF-style: chr16-29998805-G-A.
Other names: c.3212G>A (NM_016151.2); c.2873G>A, p.Arg958Gln (NM_001252043.2); c.2232+980G>A (NM_004783.4); short protein forms R1071Q, R958Q.
Identifiers: ClinVar variation 3012489 (VCV003012489.4), dbSNP rs776308173, ClinGen allele CA7998519.

ClinVar aggregate classification (germline): Uncertain significance. Review status: criteria provided, multiple submitters, no conflicts (2 of 4 stars). 2 submissions from 2 submitters: Uncertain significance (2). Last evaluated 2025-08-11.

Allele frequency attached by ClinVar (database versions not stated): gnomAD 0.00003; ExAC 0.00004; gnomAD exomes 0.00009; TOPMed 0.00002.

Submissions (2):

Ambry Genetics
Classification: Uncertain significance. Last evaluated: 2025-08-11. Review status: criteria provided, single submitter. Criteria: Ambry Variant Classification Scheme 2023. Collection method: clinical testing. Allele origin: germline.

Labcorp Genetics (formerly Invitae), Labcorp
Classification: Uncertain significance. Last evaluated: 2025-05-10. Review status: criteria provided, single submitter. Criteria: Invitae Variant Classification Sherloc (09022015). Collection method: clinical testing. Allele origin: germline.
Comment: This sequence change replaces arginine, which is basic and polar, with glutamine, which is neutral and polar, at codon 1071 of the TAOK2 protein (p.Arg1071Gln). This variant is present in population databases (rs776308173, gnomAD 0.02%). This variant has not been reported in the literature in individuals affected with TAOK2-related conditions. ClinVar contains an entry for this variant (Variation ID: 3012489). An algorithm developed to predict the effect of missense changes on protein structure and function outputs the following: PolyPhen-2: "Benign". The glutamine amino acid residue is found in multiple mammalian species, which suggests that this missense change does not adversely affect protein function. In summary, the available evidence is currently insufficient to determine the role of this variant in disease. Therefore, it has been classified as a Variant of Uncertain Significance.